The following is an entry in ClinVar:

ClinVar aggregate classification (germline): Uncertain significance (1 of 4 stars; one submission).

Conditions:
Epileptic encephalopathy. Identifiers: MedGen C0543888, HP:0200134.

Allele frequency attached by ClinVar (database versions not stated): ExAC 0.00002; gnomAD 0.00002 and 0.00003; gnomAD exomes 0.00002 and 0.00004; TOPMed 0.00004.
gnomAD v4.1: 65 of 1,613,754 alleles (0.004%); highest among the groups gnomAD compares: Non-Finnish European, 0.005%; no homozygotes.

Submission:

Labcorp Genetics (formerly Invitae), Labcorp
Classification: Uncertain significance for Epileptic encephalopathy. Last evaluated: 2020-11-21. Review status: criteria provided, single submitter. Criteria: Invitae Variant Classification Sherloc (09022015). Collection method: clinical testing. Allele origin: germline.
Comment: In summary, the available evidence is currently insufficient to determine the role of this variant in disease. Therefore, it has been classified as a Variant of Uncertain Significance. Algorithms developed to predict the effect of sequence changes on RNA splicing suggest that this variant may create or strengthen a splice site, but this prediction has not been confirmed by published transcriptional studies. Algorithms developed to predict the effect of missense changes on protein structure and function are either unavailable or do not agree on the potential impact of this missense change (SIFT: "Deleterious"; PolyPhen-2: "Possibly Damaging"; Align-GVGD: "Class C0"). This variant has not been reported in the literature in individuals with RYR3-related conditions. This variant is present in population databases (rs778736021, ExAC 0.01%). This sequence change replaces asparagine with serine at codon 4638 of the RYR3 protein (p.Asn4638Ser). The asparagine residue is highly conserved and there is a small physicochemical difference between asparagine and serine.

NM_001036.6(RYR3):c.13913A>G (p.Asn4638Ser)

Genes: AVEN (apoptosis and caspase activation inhibitor; minus strand), RYR3 (ryanodine receptor 3; plus strand). Cytogenetic location: 15q14.
Variant type: single nucleotide variant.
Coding change: c.13913A>G on transcript NM_001036.6 (MANE Select); coding-DNA position 13913, A replaced by G.
Protein change: p.Asn4638Ser; replaces asparagine 4638 with serine.
Molecular consequence: missense variant.
Genome position (GRCh38, 1-based): chr15:33,854,818, A>G. VCF-style: chr15-33854818-A-G. GRCh37 (hg19) VCF-style: chr15-34147019-A-G.
Other names: c.13898A>G, p.Asn4633Ser (NM_001243996.4); short protein forms N4638S, N4633S.
Identifiers: ClinVar variation 845947 (VCV000845947.7), dbSNP rs778736021, ClinGen allele CA7461831.